The following is an entry in ClinVar:

ClinVar aggregate classification (germline): Likely pathogenic (1 of 4 stars; one submission).

Conditions:
Developmental and epileptic encephalopathy, 17 (DEE17). Also called: Early infantile epileptic encephalopathy 17. Identifiers: Orphanet 1934, MedGen C3809606, MONDO:0014199, OMIM 615473.

Submission:

MGZ Medical Genetics Center
Classification: Likely pathogenic for Developmental and epileptic encephalopathy, 17. Last evaluated: 2021-09-17. Review status: criteria provided, single submitter. Criteria: ACMG Guidelines, 2015. Collection method: clinical testing. Allele origin: germline. Affected: yes. Observed: 1 variant allele.
Comment: ACMG criteria applied: PS2, PM2_SUP, PP2, PP3

NM_020988.3(GNAO1):c.751T>A (p.Phe251Ile)

Gene: GNAO1 (G protein subunit alpha o1; plus strand). Cytogenetic location: 16q13.
Variant type: single nucleotide variant.
Coding change: c.751T>A on transcript NM_020988.3 (MANE Select); coding-DNA position 751, T replaced by A.
Protein change: p.Phe251Ile; replaces phenylalanine 251 with isoleucine.
Molecular consequence: missense variant.
Genome position (GRCh38, 1-based): chr16:56,351,411, T>A. VCF-style: chr16-56351411-T-A. GRCh37 (hg19) VCF-style: chr16-56385323-T-A.
Other names: short protein forms F251I.
Identifiers: ClinVar variation 1710018 (VCV001710018.2), dbSNP rs2543427201, ClinGen allele CA395954637.